The following is an entry in ClinVar:

NM_021620.4(PRDM13):c.1184C>T (p.Pro395Leu)

Gene: PRDM13 (PR/SET domain 13; plus strand). Cytogenetic location: 6q16.2.
Variant type: single nucleotide variant.
Coding change: c.1184C>T on transcript NM_021620.4 (MANE Select); coding-DNA position 1184, C replaced by T.
Protein change: p.Pro395Leu; replaces proline 395 with leucine.
Molecular consequence: missense variant.
Genome position (GRCh38, 1-based): chr6:99,613,819, C>T. VCF-style: chr6-99613819-C-T. GRCh37 (hg19) VCF-style: chr6-100061695-C-T.
Other names: short protein forms P395L.
Identifiers: ClinVar variation 1977669 (VCV001977669.5), dbSNP rs1361020011, ClinGen allele CA365117881.

ClinVar aggregate classification (germline): Uncertain significance (1 of 4 stars; one submission).

Submission:

Labcorp Genetics (formerly Invitae), Labcorp
Classification: Uncertain significance. Last evaluated: 2024-11-05. Review status: criteria provided, single submitter. Criteria: Invitae Variant Classification Sherloc (09022015). Collection method: clinical testing. Allele origin: germline.
Comment: This sequence change replaces proline, which is neutral and non-polar, with leucine, which is neutral and non-polar, at codon 395 of the PRDM13 protein (p.Pro395Leu). This variant is not present in population databases (gnomAD no frequency). This variant has not been reported in the literature in individuals affected with PRDM13-related conditions. ClinVar contains an entry for this variant (Variation ID: 1977669). An algorithm developed to predict the effect of missense changes on protein structure and function (PolyPhen-2) suggests that this variant is likely to be tolerated. In summary, the available evidence is currently insufficient to determine the role of this variant in disease. Therefore, it has been classified as a Variant of Uncertain Significance.